The following is an entry in ClinVar:

NM_000535.7(PMS2):c.1145-982_2006+2del

Gene: PMS2 (PMS1 homolog 2, mismatch repair system component; minus strand). Cytogenetic location: 7p22.1.
Variant type: Deletion.
Coding change: c.1145-982_2006+2del on transcript NM_000535.7 (MANE Select); 982 bases into the intron before coding-DNA position 1145 through the canonical splice donor site of the intron after coding-DNA position 2006, 1,846 bases deleted.
Molecular consequence: splice acceptor variant, splice donor variant.
Genome position (GRCh38, 1-based): chr7:5,986,757-5,988,602, 1,846 bases deleted. GRCh37 (hg19): chr7:6,026,390-6,028,235.
Other names: c.827-982_1688+2del (NM_001322008.2, NM_001322007.2); c.584-982_1445+2del (NM_001322010.2); c.740-982_1601+2del (NM_001322004.2, NM_001322003.2, NM_001322009.2 and 1 more transcripts); c.572-982_1433+2del (NM_001322013.2); c.212-982_1073+2del (NM_001322012.2, NM_001322011.2); c.836-982_1697+2del (NM_001322015.2); c.989-982_1850+2del (NM_001322006.2); c.1145-982_2006+2del (NM_001322014.2).
Identifiers: ClinVar variation 1048958 (VCV001048958.1), ClinGen allele CA2499218953.

ClinVar aggregate classification (germline): Pathogenic (0 of 4 stars; one submission).

Conditions:
Lynch syndrome. Identifiers: Orphanet 144, MedGen C4552100, MONDO:0005835. Disease mechanism: loss of function.

Submission:

Department of Pathology and Laboratory Medicine, Sinai Health System
Classification: Pathogenic for Lynch syndrome. Review status: no assertion criteria provided. Collection method: clinical testing. Allele origin: unknown. Affected: yes. Study: The Canadian Open Genetics Repository (COGR).
Comment: The PMS2 c.164-?_2006+?del variant (chr:7 g.6026390_6043689del GRCh37) results in a deletion of exons 3-11, although the precise breakpoints of this deletion were not determined, nor were the effects of this variant on the resulting mRNA or protein product determined. The variant was not identified in the literature nor was it identified in dbSNP, GeneInsight-COGR, Cosmic, Zhejiang University Database, Mismatch Repair Genes Variant Database, or Insight Hereditary Tumors Database. The variant was identified in ClinVar (classified as pathogenic by Invitae). The variant was not identified in the following control databases: the Exome Aggregation Consortium (August 8th 2016) or the Genome Aggregation Database (Feb 27, 2017). The c.164-?_2006+?del variant is predicted to cause a frameshift, which alters the protein's amino acid sequence beginning at codon 55 and leads to a premature stop codon 19 codons downstream. This alteration is then predicted to result in a truncated or absent protein and loss of function. Loss of function variants of the PMS2 gene are an established mechanism of disease in PMS2 associated cancers and is the type of variant expected to cause the disorder. In summary, based on the above information, this variant meets our laboratoryâ€šÃ„Ã´s criteria to be classified as pathogenic.